The following is an entry in ClinVar:

ClinVar aggregate classification (germline): Pathogenic. Review status: criteria provided, multiple submitters, no conflicts (2 of 4 stars). 2 submissions from 2 submitters: Pathogenic (2). Last evaluated 2025-10-03.

Allele frequency attached by ClinVar (database versions not stated): TOPMed below 0.00001; gnomAD 0.00001; gnomAD exomes 0.00001.

Submissions (2):

Labcorp Genetics (formerly Invitae), Labcorp
Classification: Pathogenic. Last evaluated: 2025-10-03. Review status: criteria provided, single submitter. Criteria: Invitae Variant Classification Sherloc (09022015). Collection method: clinical testing. Allele origin: germline.
Comment: This sequence change creates a premature translational stop signal (p.Val369Lysfs*27) in the DUOX2 gene. It is expected to result in an absent or disrupted protein product. Loss-of-function variants in DUOX2 are known to be pathogenic (PMID: 12110737, 18765513, 21565790, 24423310, 24735383). This variant is not present in population databases (gnomAD no frequency). This variant has not been reported in the literature in individuals affected with DUOX2-related conditions. ClinVar contains an entry for this variant (Variation ID: 501281). For these reasons, this variant has been classified as Pathogenic.

Eurofins Ntd Llc (ga)
Classification: Pathogenic. Last evaluated: 2017-04-07. Review status: criteria provided, single submitter. Criteria: EGL Classification Definitions 2015. Collection method: clinical testing. Allele origin: germline. Observed: 2 variant alleles, 2 heterozygotes.

Literature cited by the submitters: PubMed 12110737 (cited by Labcorp Genetics (formerly Invitae), Labcorp); PubMed 18765513 (cited by Labcorp Genetics (formerly Invitae), Labcorp); PubMed 21565790 (cited by Labcorp Genetics (formerly Invitae), Labcorp); PubMed 24423310 (cited by Labcorp Genetics (formerly Invitae), Labcorp); PubMed 24735383 (cited by Labcorp Genetics (formerly Invitae), Labcorp).

NM_001363711.2(DUOX2):c.1085_1103dup (p.Val369fs)

Gene: DUOX2 (dual oxidase 2; minus strand). Cytogenetic location: 15q21.1.
Variant type: Duplication.
Coding change: c.1085_1103dup on transcript NM_001363711.2 (MANE Select); coding-DNA positions 1085 to 1103, 19 bases duplicated (AAAGCTCCCAAGCTCTCAG).
Protein change: p.Val369fs; shifts the reading frame from valine 369.
Molecular consequence: frameshift variant.
Genome position (GRCh38, 1-based): chr15:45,109,918-45,109,936, CTGAGAGCTTGGGAGCTTT duplicated on the plus strand (AAAGCTCCCAAGCTCTCAG on the coding strand, the reverse complement: DUOX2 is on the minus strand). VCF-style (leftmost placement, unchanged base first): chr15-45109917-C-CCTGAGAGCTTGGGAGCTTT. GRCh37 (hg19) VCF-style: chr15-45402115-C-CCTGAGAGCTTGGGAGCTTT.
Other names: c.1085_1103dup, p.Val369fs (NM_014080.5); short protein forms V369fs.
Identifiers: ClinVar variation 501281 (VCV000501281.12), dbSNP rs1595527456, ClinGen allele CA658824332.